The following is an entry in ClinVar:

ClinVar aggregate classification (germline): Uncertain significance (1 of 4 stars; one submission).

Conditions:
Neuronal ceroid lipofuscinosis. Also called: Neuronal Ceroid Lipofuscinoses. Identifiers: Orphanet 216, Orphanet 79263, MedGen C0027877, MONDO:0016295. Disease mechanism: loss of function.

Allele frequency attached by ClinVar (database versions not stated): gnomAD exomes below 0.00001; TOPMed 0.00001.
gnomAD v4.1: 4 of 1,614,044 alleles (0.00025%); highest among the groups gnomAD compares: South Asian, 0.0022%; no homozygotes.

Submission:

Labcorp Genetics (formerly Invitae), Labcorp
Classification: Uncertain significance for Neuronal ceroid lipofuscinosis. Last evaluated: 2022-08-19. Review status: criteria provided, single submitter. Criteria: Invitae Variant Classification Sherloc (09022015). Collection method: clinical testing. Allele origin: germline.
Comment: This sequence change replaces alanine, which is neutral and non-polar, with serine, which is neutral and polar, at codon 136 of the CLN3 protein (p.Ala136Ser). This variant is not present in population databases (gnomAD no frequency). This variant has not been reported in the literature in individuals affected with CLN3-related conditions. ClinVar contains an entry for this variant (Variation ID: 1392556). Algorithms developed to predict the effect of missense changes on protein structure and function are either unavailable or do not agree on the potential impact of this missense change (SIFT: "Deleterious"; PolyPhen-2: "Probably Damaging"; Align-GVGD: "Class C0"). In summary, the available evidence is currently insufficient to determine the role of this variant in disease. Therefore, it has been classified as a Variant of Uncertain Significance.

NM_001042432.2(CLN3):c.406G>T (p.Ala136Ser)

Gene: CLN3 (CLN3 lysosomal/endosomal transmembrane protein, battenin; minus strand). Cytogenetic location: 16p12.1.
Variant type: single nucleotide variant.
Coding change: c.406G>T on transcript NM_001042432.2 (MANE Select); coding-DNA position 406, G replaced by T.
Protein change: p.Ala136Ser; replaces alanine 136 with serine.
Molecular consequence: missense variant.
Genome position (GRCh38, 1-based): chr16:28,487,510, C>A on the plus strand (G>T on the coding strand, the complement: CLN3 is on the minus strand). VCF-style: chr16-28487510-C-A. GRCh37 (hg19) VCF-style: chr16-28498831-C-A.
Other names: c.406G>T, p.Ala136Ser (NM_000086.2); c.334G>T, p.Ala112Ser (NM_001286104.2); c.106G>T, p.Ala36Ser (NM_001286105.2); c.172G>T, p.Ala58Ser (NM_001286109.2); c.244G>T, p.Ala82Ser (NM_001286110.2); short protein forms A112S, A36S, A82S, A136S, A58S.
Identifiers: ClinVar variation 1392556 (VCV001392556.3), dbSNP rs2046239467, ClinGen allele CA395345914.